The following is an entry in ClinVar:

ClinVar aggregate classification (germline): Likely pathogenic (1 of 4 stars; one submission).

Conditions:
Metaphyseal chondrodysplasia, McKusick type (CHH). Also called: Cartilage-hair hypoplasia; Cartilage-Hair Hypoplasia (CHH). Identifiers: Orphanet 175, MedGen C0220748, MONDO:0009595, OMIM 250250.

Submission:

Natera, Inc.
Classification: Likely pathogenic for Cartilage-hair hypoplasia. Last evaluated: 2024-05-07. Review status: criteria provided, single submitter. Criteria: Natera Variant Classification Schema (03/2026). Collection method: clinical testing. Allele origin: germline.
Comment: The n.-12_-11insTTCTGTGAA variant in RMRP is an insertion affecting the RMRP promoter region between the TATA box and the transcription initiation site. Other duplications and insertions just upstream of the transcription initiation site have been reported in individuals affected with cartilage-hair hypoplasia (PMID: 11207361, 17937437). This variant is rare in the general population with a frequency below the threshold expected for the associated phenotype(s). Given the available evidence, this variant is classified as Likely pathogenic.

Literature cited by the submitters: PubMed 11207361; PubMed 17937437.

NR_003051.3(RMRP):n.-12_-11insTTCTGTGAA

Gene: RMRP (RNA component of mitochondrial RNA processing endoribonuclease; minus strand). Cytogenetic location: 9p13.3.
Variant type: Insertion.
Genome position: GRCh38 VCF-style: chr9-35658029-C-CTTCACAGAA. GRCh37 (hg19) VCF-style: chr9-35658026-C-CTTCACAGAA.
Identifiers: ClinVar variation 4817174 (VCV004817174.1).